The following is an entry in ClinVar:

ClinVar aggregate classification (germline): Pathogenic/Likely pathogenic. Review status: criteria provided, multiple submitters, no conflicts (2 of 4 stars). 2 submissions from 2 submitters: Pathogenic (1); Likely pathogenic (1). Last evaluated 2024-05-20.

Conditions:
ADAMTS18-related disorder. Also called: ADAMTS18-related condition.

Allele frequency attached by ClinVar (database versions not stated): gnomAD 0.00001; TOPMed 0.00002; ExAC 0.00003.
gnomAD v4.1: 24 of 1,612,980 alleles (0.0015%); highest among the groups gnomAD compares: South Asian, 0.021%; no homozygotes.

Submissions (2):

Labcorp Genetics (formerly Invitae), Labcorp
Classification: Pathogenic. Last evaluated: 2024-05-20. Review status: criteria provided, single submitter. Criteria: Invitae Variant Classification Sherloc (09022015). Collection method: clinical testing. Allele origin: germline.
Comment: This sequence change creates a premature translational stop signal (p.Arg548*) in the ADAMTS18 gene. It is expected to result in an absent or disrupted protein product. Loss-of-function variants in ADAMTS18 are known to be pathogenic (PMID: 23818446, 24874986). This variant is present in population databases (rs760304370, gnomAD 0.02%). This variant has not been reported in the literature in individuals affected with ADAMTS18-related conditions. ClinVar contains an entry for this variant (Variation ID: 1909312). Algorithms developed to predict the effect of sequence changes on RNA splicing suggest that this variant may disrupt the consensus splice site. For these reasons, this variant has been classified as Pathogenic.

Blueprint Genetics
Classification: Likely pathogenic for ADAMTS18-related disorders. Last evaluated: 2019-12-31. Review status: criteria provided, single submitter. Criteria: ACMG Guidelines, 2015. Collection method: clinical testing. Allele origin: germline. Affected: yes. Observed: 5 variant alleles.

Literature cited by the submitters: PubMed 23818446 (cited by Labcorp Genetics (formerly Invitae), Labcorp); PubMed 24874986 (cited by Labcorp Genetics (formerly Invitae), Labcorp).

NM_199355.4(ADAMTS18):c.1642C>T (p.Arg548Ter)

Gene: ADAMTS18 (ADAM metallopeptidase with thrombospondin type 1 motif 18; minus strand). Cytogenetic location: 16q23.1.
Variant type: single nucleotide variant.
Coding change: c.1642C>T on transcript NM_199355.4 (MANE Select); coding-DNA position 1642, C replaced by T.
Protein change: p.Arg548Ter; replaces arginine 548 with a stop codon.
Molecular consequence: nonsense.
Genome position (GRCh38, 1-based): chr16:77,341,772, G>A on the plus strand (C>T on the coding strand, the complement: ADAMTS18 is on the minus strand). VCF-style: chr16-77341772-G-A. GRCh37 (hg19) VCF-style: chr16-77375669-G-A.
Other names: c.1126C>T, p.Arg376Ter (NM_001326358.2); short protein forms R376*, R548*.
Identifiers: ClinVar variation 1909312 (VCV001909312.6), dbSNP rs760304370, ClinGen allele CA8181223.
Genomic context (GRCh38, chr16:77,341,772, plus strand): 5'-AGCCACAAACGGTCCCTTCTGCTGCGGGCATAAACTTGGTCTCACACCTGTGGCCTACTC[G>A]GTGGCACCAAAGTGATTTGCAAATATCCTGAAATAAAAAAAAAGGGGGGTGCTGTTAATG-3'